The following is an entry in ClinVar:

NM_000169.3(GLA):c.695T>G (p.Ile232Ser)

Genes: GLA (galactosidase alpha; minus strand), RPL36A-HNRNPH2 (RPL36A-HNRNPH2 readthrough; plus strand). Cytogenetic location: Xq22.1.
Variant type: single nucleotide variant.
Coding change: c.695T>G on transcript NM_000169.3 (MANE Select); coding-DNA position 695, T replaced by G.
Protein change: p.Ile232Ser; replaces isoleucine 232 with serine.
Molecular consequence: missense variant. On other transcripts: non-coding transcript variant (3), intron variant (2).
Genome position (GRCh38, 1-based): chrX:101,398,891, A>C on the plus strand (T>G on the coding strand, the complement: GLA is on the minus strand). VCF-style: chrX-101398891-A-C. GRCh37 (hg19) VCF-style: chrX-100653879-A-C.
Other names: c.818T>G, p.Ile273Ser (NM_001406747.1); c.695T>G, p.Ile232Ser (NM_001406748.1); c.300+3434A>C (NM_001199973.2); c.177+7069A>C (NM_001199974.2); short protein forms I232S, I273S.
Identifiers: ClinVar variation 197640 (VCV000197640.13), dbSNP rs797044749, ClinGen allele CA021978.
Genomic context (GRCh38, chrX:101,398,891, plus strand): 5'-CTCTCCTGGTTAAAAGATGTCCAGTCCAAGATACTCTTTATACTTTTCCAGGAATCATCA[A>C]TGTCAGCAAAATTTCGCCAGTGATTGCAGTACTGTCGGATTTCTGTATAATTGGGCTGTG-3'
Protein context (NP_000160.1, residues 222-242): YCNHWRNFAD[Ile232Ser]DDSWKSIKSI

ClinVar aggregate classification (germline): Uncertain significance. Review status: criteria provided, multiple submitters, no conflicts (2 of 4 stars). 6 submissions from 6 submitters: Uncertain significance (6). Last evaluated 2026-09-08.

Conditions:
Fabry disease. Also called: ALPHA-GALACTOSIDASE A DEFICIENCY; ANDERSON-FABRY DISEASE; Fabry's disease; CERAMIDE TRIHEXOSIDASE DEFICIENCY; GLA DEFICIENCY; HEREDITARY DYSTOPIC LIPIDOSIS. Identifiers: Orphanet 324, MedGen C0002986, MONDO:0010526, OMIM 301500, HP:0001071. Disease mechanism: Fabry disease is due to inactivating mutations in the X-linked GLA gene resulting in deficiency of the enzyme Alpha Galactosidase-A., loss of function.

Submissions (6):

Genomenon, Inc
Classification: Uncertain significance for Fabry disease. Last evaluated: 2026-09-08. Review status: criteria provided, single submitter. Criteria: Genomenon Sequence Variant Interpretation Standards - Updated. Collection method: curation. Allele origin: germline. Affected: yes.
Comment: GLA p.Ile232Ser (c.695T>G) is a missense variant that changes the amino acid at codon 232 from Isoleucine to Serine. This variant has been observed in at least one proband with clinical features consistent with Fabry disease (PMID:40784937). It is absent or not present at a significant frequency in gnomAD. In conclusion, we classify GLA p.Ile232Ser (c.695T>G) as a variant of uncertain significance.

Labcorp Genetics (formerly Invitae), Labcorp
Classification: Uncertain significance for Fabry disease. Last evaluated: 2025-09-13. Review status: criteria provided, single submitter. Criteria: Invitae Variant Classification Sherloc (09022015). Collection method: clinical testing. Allele origin: germline.
Comment: This sequence change replaces isoleucine, which is neutral and non-polar, with serine, which is neutral and polar, at codon 232 of the GLA protein (p.Ile232Ser). This variant is not present in population databases (gnomAD no frequency). This variant has not been reported in the literature in individuals affected with GLA-related conditions. ClinVar contains an entry for this variant (Variation ID: 197640). Invitae Evidence Modeling of protein sequence and biophysical properties (such as structural, functional, and spatial information, amino acid conservation, physicochemical variation, residue mobility, and thermodynamic stability) indicates that this missense variant is not expected to disrupt GLA protein function with a negative predictive value of 80%. This variant disrupts the p.Ile232 amino acid residue in GLA. Other variant(s) that disrupt this residue have been determined to be pathogenic (PMID: 23935525, 28615118, 28798024). This suggests that this residue is clinically significant, and that variants that disrupt this residue are likely to be disease-causing. In summary, the available evidence is currently insufficient to determine the role of this variant in disease. Therefore, it has been classified as a Variant of Uncertain Significance.

Genome-Nilou Lab
Classification: Uncertain significance for Fabry disease. Last evaluated: 2021-07-15. Review status: criteria provided, single submitter. Criteria: ACMG Guidelines, 2015. Collection method: clinical testing. Allele origin: germline. Affected: no.

Revvity Omics, Revvity
Classification: Uncertain significance. Last evaluated: 2021-02-12. Review status: criteria provided, single submitter. Criteria: ACMG Guidelines, 2015. Collection method: clinical testing. Allele origin: germline.

Eurofins Ntd Llc (ga)
Classification: Uncertain significance. Last evaluated: 2017-12-12. Review status: criteria provided, single submitter. Criteria: EGL Classification Definitions 2015. Collection method: clinical testing. Allele origin: germline. Observed: 3 variant alleles, 1 heterozygote, 2 hemizygotes.

GeneDx
Classification: Uncertain significance. Last evaluated: 2017-05-05. Review status: criteria provided, single submitter. Criteria: GeneDx Variant Classification (06012015). Collection method: clinical testing. Allele origin: germline. Affected: yes.
Comment: The I232S variant of uncertain significance in the GLA gene has not been published as pathogenic or been reported as benign to our knowledge. I232S is not observed in large population cohorts (Lek et al., 2016; 1000 Genomes Consortium et al., 2015; Exome Variant Server). The I232S variant is a non-conservative amino acid substitution, which is likely to impact secondary protein structure as these residues differ in polarity, charge, size and/or other properties. Moreover, this substitution occurs at a position where only amino acids with similar properties to isoleucine are tolerated across species. Nevertheless, in silico analysis is inconsistent in its predictions as to whether or not the variant is damaging to the protein structure/function. While multiple missense variants in nearby residues (R227P, R227Q, N228S, F229L, A230T, D231N, D231G, D231V, D234E, D234Y, S235F, S235C, W236R, W236L, and W236C) and in the same residue (I232T) have been reported in the Human Gene Mutation Database in association with Fabry disease (Stenson et al., 2014), the pathogenicity of each of these variants has not been definitively determined.

Literature cited by the submitters: PubMed 40784937 (cited by Genomenon, Inc); PubMed 23935525 (cited by Labcorp Genetics (formerly Invitae), Labcorp); PubMed 28615118 (cited by Labcorp Genetics (formerly Invitae), Labcorp); PubMed 28798024 (cited by Labcorp Genetics (formerly Invitae), Labcorp).